The following is an entry in ClinVar:

NM_015080.4(NRXN2):c.3403+5489C>T

Gene: NRXN2 (neurexin 2; minus strand). Cytogenetic location: 11q13.1.
Variant type: single nucleotide variant.
Coding change: c.3403+5489C>T on transcript NM_015080.4 (MANE Select); 5489 bases into the intron after coding-DNA position 3403, C replaced by T.
Molecular consequence: intron variant. On other transcripts: missense variant (1).
Genome position (GRCh38, 1-based): chr11:64,642,730, G>A on the plus strand (C>T on the coding strand, the complement: NRXN2 is on the minus strand). VCF-style: chr11-64642730-G-A. GRCh37 (hg19) VCF-style: chr11-64410202-G-A.
Other names: c.74C>T, p.Pro25Leu (NM_138734.3); c.3283+5489C>T (NM_138732.3); c.3379+5489C>T (NM_001376266.1); c.3358+5489C>T (NM_001376265.1); c.3382+5489C>T (NM_001376267.1, NM_001376263.1); c.3403+5489C>T (NM_001376262.1); c.-34-130C>T (NM_001400682.1, NM_001400681.1); short protein forms P25L.
Identifiers: ClinVar variation 3353989 (VCV003353989.1).

ClinVar aggregate classification (germline): Uncertain significance (0 of 4 stars; one submission).

Conditions:
NRXN2-related disorder. Also called: NRXN2-related condition.

Submission:

PreventionGenetics, part of Exact Sciences
Classification: Uncertain significance for NRXN2-related condition. Last evaluated: 2024-07-17. Review status: no assertion criteria provided. Collection method: clinical testing. Allele origin: germline.
Comment: The NRXN2 c.74C>T variant is predicted to result in the amino acid substitution p.Pro25Leu. To our knowledge, this variant has not been reported in the literature or in gnomAD, indicating this variant is rare. At this time, the clinical significance of this variant is uncertain due to the absence of conclusive functional and genetic evidence.